The following is an entry in ClinVar:

ClinVar aggregate classification (germline): Likely pathogenic (1 of 4 stars; one submission).

Conditions:
Macular dystrophy with variable extraocular manifestations.

Submission:

Ophthalmic Genetics Group, Institute of Molecular and Clinical Ophthalmology Basel
Classification: Likely pathogenic for Macular dystrophy with variable extraocular manifestations. Last evaluated: 2026-06-01. Review status: criteria provided, single submitter. Criteria: ACMG Guidelines, 2015. Collection method: research. Allele origin: germline. Affected: yes. Observed: 1 variant allele.
Comment: This frameshift deletion alters the reading frame at amino acid position 298 and introduces a premature termination codon 19 residues downstream. Because the variant is located in the last exon of AP5B1, it is expected to escape nonsense-mediated mRNA decay and produce a substantially truncated protein lacking approximately two-thirds of the normal 878-amino-acid sequence. The variant has a very low population frequency in gnomAD v4.1, with no homozygous individuals reported. Therefore, it was classified as Likely pathogenic based on ACMG/AMP criteria: PVS1_strong, PM3_mod, PM2_sup, PP4_sup.

NM_138368.5(AP5B1):c.892del (p.Arg298fs)

Gene: AP5B1 (adaptor related protein complex 5 subunit beta 1; minus strand). Cytogenetic location: 11q13.1.
Variant type: Deletion.
Coding change: c.892del on transcript NM_138368.5 (MANE Select); coding-DNA position 892, one base deleted (C; older notation c.892delC).
Protein change: p.Arg298fs; shifts the reading frame from arginine 298.
Molecular consequence: frameshift variant.
Genome position (GRCh38, 1-based): chr11:65,779,601, G deleted on the plus strand (C on the coding strand, the reverse complement: AP5B1 is on the minus strand). VCF-style (leftmost placement, unchanged base first): chr11-65779600-CG-C. GRCh37 (hg19) VCF-style: chr11-65547071-CG-C.
Other names: NC_000011.9:g.65547072del I NP_612377.4:p.(Arg298Glyfs*19); short protein forms R298fs.
Identifiers: ClinVar variation 4879378 (VCV004879378.1).